The following is an entry in ClinVar:

ClinVar aggregate classification (germline): Uncertain significance (1 of 4 stars; one submission).

Conditions:
Inborn genetic diseases. Identifiers: MedGen C0950123, MeSH D030342.

Allele frequency attached by ClinVar (database versions not stated): gnomAD exomes below 0.00001.

Submission:

Ambry Genetics
Classification: Uncertain significance for Inborn genetic diseases. Last evaluated: 2023-10-12. Review status: criteria provided, single submitter. Criteria: Ambry Variant Classification Scheme 2023. Collection method: clinical testing. Allele origin: germline.
Comment: Not expected to trigger nonsense-mediated mRNA decay Based on insufficient or conflicting evidence, the clinical significance of this alteration remains unclear.

NM_005276.4(GPD1):c.847-1G>A

Gene: GPD1 (glycerol-3-phosphate dehydrogenase 1; plus strand). Cytogenetic location: 12q13.12.
Variant type: single nucleotide variant.
Coding change: c.847-1G>A on transcript NM_005276.4 (MANE Select); the canonical splice acceptor site of the intron before coding-DNA position 847, G replaced by A.
Molecular consequence: splice acceptor variant.
Genome position (GRCh38, 1-based): chr12:50,108,023, G>A. VCF-style: chr12-50108023-G-A. GRCh37 (hg19) VCF-style: chr12-50501806-G-A.
Other names: c.778-1G>A (NM_001257199.2).
Identifiers: ClinVar variation 3101281 (VCV003101281.1), dbSNP rs1216908355, ClinGen allele CA384802241.